The following is an entry in ClinVar:

ClinVar aggregate classification (germline): Uncertain significance (1 of 4 stars; one submission).

Conditions:
Charcot-Marie-Tooth disease type 4. Also called: Charcot-Marie-Tooth disease, type IV; Charcot-Marie-Tooth, Type 4. Identifiers: Orphanet 64749, MedGen C4082197, MONDO:0018995.

Allele frequency attached by ClinVar (database versions not stated): gnomAD exomes below 0.00001 and 0.00002; gnomAD 0.00001; ExAC 0.00002; 1000 Genomes Project 30x 0.00016; 1000 Genomes Project 0.00020.

Submission:

Labcorp Genetics (formerly Invitae), Labcorp
Classification: Uncertain significance for Charcot-Marie-Tooth disease type 4. Last evaluated: 2024-10-15. Review status: criteria provided, single submitter. Criteria: Invitae Variant Classification Sherloc (09022015). Collection method: clinical testing. Allele origin: germline.
Comment: This sequence change replaces isoleucine, which is neutral and non-polar, with valine, which is neutral and non-polar, at codon 48 of the SH3TC2 protein (p.Ile48Val). This variant is present in population databases (rs543440112, gnomAD 0.01%). This variant has not been reported in the literature in individuals affected with SH3TC2-related conditions. ClinVar contains an entry for this variant (Variation ID: 1473872). Invitae Evidence Modeling of protein sequence and biophysical properties (such as structural, functional, and spatial information, amino acid conservation, physicochemical variation, residue mobility, and thermodynamic stability) indicates that this missense variant is not expected to disrupt SH3TC2 protein function with a negative predictive value of 95%. In summary, the available evidence is currently insufficient to determine the role of this variant in disease. Therefore, it has been classified as a Variant of Uncertain Significance.

NM_024577.4(SH3TC2):c.142A>G (p.Ile48Val)

Gene: SH3TC2 (SH3 domain and tetratricopeptide repeats 2; minus strand). Cytogenetic location: 5q32.
Variant type: single nucleotide variant.
Coding change: c.142A>G on transcript NM_024577.4 (MANE Select); coding-DNA position 142, A replaced by G.
Protein change: p.Ile48Val; replaces isoleucine 48 with valine.
Molecular consequence: missense variant.
Genome position (GRCh38, 1-based): chr5:149,052,151, T>C on the plus strand (A>G on the coding strand, the complement: SH3TC2 is on the minus strand). VCF-style: chr5-149052151-T-C. GRCh37 (hg19) VCF-style: chr5-148431714-T-C.
Other names: short protein forms I48V.
Identifiers: ClinVar variation 1473872 (VCV001473872.6), dbSNP rs543440112, ClinGen allele CA3499621.